The following is an entry in ClinVar:

NM_133379.5(TTN):c.16020T>C (p.His5340=)

Gene: TTN (titin; minus strand). Cytogenetic location: 2q31.2.
Variant type: single nucleotide variant.
Coding change: c.16020T>C on transcript NM_133379.5; coding-DNA position 16020, T replaced by C.
Protein change: p.His5340=; no amino-acid change (histidine 5340 retained).
Molecular consequence: synonymous variant. On other transcripts: intron variant (6).
Genome position (GRCh38, 1-based): chr2:178,746,380, A>G on the plus strand (T>C on the coding strand, the complement: TTN is on the minus strand). VCF-style: chr2-178746380-A-G. GRCh37 (hg19) VCF-style: chr2-179611107-A-G.
Other names: c.10223-4459T>C (NM_003319.4); c.10799-4459T>C (NM_133437.4); c.10598-4459T>C (NM_133432.3); c.10360+6744T>C (NM_133378.4); c.10361-4459T>C (NM_001256850.1); c.11312-4459T>C (NM_001267550.2); c.16020T>C (NM_133379.4).
Identifiers: ClinVar variation 47793 (VCV000047793.47), dbSNP rs200378944, ClinGen allele CA141910.
Genomic context (GRCh38, chr2:178,746,380, plus strand): 5'-ATCCATATTTGGATCTACAAAATTAAATGGAAGAACATCTAGACTCACAATCATACTTTT[A>G]TGGTCAGGAGTAAATTCGGGAACTGTCACTATTTTCACCTGCTTCTCAAATTCTTTAACG-3'

ClinVar aggregate classification (germline): Conflicting classifications of pathogenicity. Review status: criteria provided, conflicting classifications (1 of 4 stars). 11 submissions from 11 submitters: Uncertain significance (1); Likely benign (5). 5 of the submissions do not count toward it. Last evaluated 2025-06-23.

Conditions:
TTN-related disorder. Also called: TTN-related disorders; TTN-related condition; TTN-related disease.

Allele frequency attached by ClinVar (database versions not stated): 1000 Genomes Project 0.00020; gnomAD 0.00020 and 0.00021; gnomAD exomes 0.00021 and 0.00062; TOPMed 0.00025; 1000 Genomes Project 30x 0.00031; ESP Exome Variant Server 0.00023; ExAC 0.00024.
gnomAD v4.1: 913 of 1,610,802 alleles (0.057%); highest among the groups gnomAD compares: Non-Finnish European, 0.076%; no homozygotes.

Submissions (11):

ARUP Laboratories, Molecular Genetics and Genomics, ARUP Laboratories
Classification: Likely benign. Last evaluated: 2025-06-23. Review status: criteria provided, single submitter. Criteria: ARUP Molecular Germline Variant Investigation Process 2024. Collection method: clinical testing. Allele origin: germline.

Blueprint Genetics
Classification: Likely benign. Last evaluated: 2024-11-13. Review status: criteria provided, single submitter. Criteria: ACMG Guidelines, 2015. Collection method: clinical testing. Allele origin: germline.

CeGaT Center for Human Genetics Tuebingen
Classification: Likely benign. Last evaluated: 2022-10-01. Review status: criteria provided, single submitter. Criteria: CeGaT Center For Human Genetics Tuebingen Variant Classification Criteria Version 2. Collection method: clinical testing. Allele origin: germline. Affected: yes. Observed: 2 variant alleles.
Comment: TTN: BP4

GeneDx
Classification: Likely benign. Last evaluated: 2021-04-29. Review status: criteria provided, single submitter. Criteria: GeneDx Variant Classification Process June 2021. Collection method: clinical testing. Allele origin: germline. Affected: yes.

Eurofins Ntd Llc (ga)
Classification: Uncertain significance. Last evaluated: 2017-11-17. Review status: criteria provided, single submitter. Criteria: EGL Classification Definitions 2015. Collection method: clinical testing. Allele origin: germline. Observed: 3 variant alleles, 3 heterozygotes.

Laboratory for Molecular Medicine, Mass General Brigham Personalized Medicine
Classification: Likely benign. Last evaluated: 2012-03-19. Review status: criteria provided, single submitter. Criteria: LMM Criteria. Collection method: clinical testing. Allele origin: germline. Observed: 2 variant alleles.
Comment: His5340His in exon 45A of TTN: This variant is not expected to have clinical sig nificance because it does not alter an amino acid residue, and is not located wi thin the splice consensus sequence. It has been identified in 1/7018 European Am erican chromosomes from a broad population by the NHLBI Exome Sequencing Project. His5340His in exon 45A of TTN (allele fre quency= 1/7018) **

PreventionGenetics, part of Exact Sciences
Classification: Likely benign for TTN-related condition. Last evaluated: 2019-02-26. Review status: no assertion criteria provided. Collection method: clinical testing. Allele origin: germline. Not counted in ClinVar's aggregate classification.
Comment: This variant is classified as likely benign based on ACMG/AMP sequence variant interpretation guidelines (Richards et al. 2015 PMID: 25741868, with internal and published modifications).

Clinical Genetics DNA and cytogenetics Diagnostics Lab, Erasmus MC, Erasmus Medical Center
Classification: Likely benign. Review status: no assertion criteria provided. Collection method: clinical testing. Allele origin: germline. Affected: yes. Study: VKGL Data-share Consensus. Not counted in ClinVar's aggregate classification.

Clinical Genetics, Academic Medical Center
Classification: Benign. Review status: no assertion criteria provided. Collection method: clinical testing. Allele origin: germline. Affected: yes. Study: VKGL Data-share Consensus. Not counted in ClinVar's aggregate classification.

Diagnostic Laboratory, Department of Genetics, University Medical Center Groningen
Classification: Likely benign. Review status: no assertion criteria provided. Collection method: clinical testing. Allele origin: germline. Affected: yes. Study: VKGL Data-share Consensus. Not counted in ClinVar's aggregate classification.

Joint Genome Diagnostic Labs from Nijmegen and Maastricht, Radboudumc and MUMC+
Classification: Likely benign. Review status: no assertion criteria provided. Collection method: clinical testing. Allele origin: germline. Affected: yes. Study: VKGL Data-share Consensus. Not counted in ClinVar's aggregate classification.